The following is an entry in ClinVar:

ClinVar aggregate classification (germline): Uncertain significance (1 of 4 stars; one submission).

Conditions:
Hereditary cancer-predisposing syndrome. Also called: Neoplastic Syndromes, Hereditary; Tumor predisposition; Hereditary Cancer Syndrome; Hereditary neoplastic syndrome. Identifiers: Orphanet 140162, MedGen C0027672, MeSH D009386, MONDO:0015356.

Submission:

Ambry Genetics
Classification: Uncertain significance for Hereditary cancer-predisposing syndrome. Last evaluated: 2020-12-22. Review status: criteria provided, single submitter. Criteria: Ambry Variant Classification Scheme 2023. Collection method: clinical testing. Allele origin: germline.
Comment: The c.-2C>A variant is located in the 5' untranslated region (5&rsquo; UTR) of the PRKAR1A gene. This variant results from a C to A substitution 2 bases upstream from the first translated codon. This nucleotide position is not well conserved in available vertebrate species. Since supporting evidence is limited at this time, the clinical significance of this alteration remains unclear.

NM_002734.5(PRKAR1A):c.-2C>A

Gene: PRKAR1A (protein kinase cAMP-dependent type I regulatory subunit alpha; plus strand). Cytogenetic location: 17q24.2.
Variant type: single nucleotide variant.
Coding change: c.-2C>A on transcript NM_002734.5 (MANE Select); 2 bases upstream of the start codon, C replaced by A.
Molecular consequence: 5 prime UTR variant.
Genome position (GRCh38, 1-based): chr17:68,515,398, C>A. VCF-style: chr17-68515398-C-A. GRCh37 (hg19) VCF-style: chr17-66511539-C-A.
Other names: c.-2C>A (NM_001276289.2, NM_001276290.1, NM_001278433.2 and 4 more transcripts).
Identifiers: ClinVar variation 1798648 (VCV001798648.2), dbSNP rs2509357084, ClinGen allele CA501528115.